The following is an entry in ClinVar:

ClinVar aggregate classification (germline): Uncertain significance. Review status: criteria provided, multiple submitters, no conflicts (2 of 4 stars). 2 submissions from 2 submitters: Uncertain significance (2). Last evaluated 2024-07-24.

Conditions:
Hereditary cancer-predisposing syndrome. Also called: Neoplastic Syndromes, Hereditary; Hereditary Cancer Syndrome; Tumor predisposition; Hereditary neoplastic syndrome. Identifiers: Orphanet 140162, MedGen C0027672, MeSH D009386, MONDO:0015356.
Familial cancer of breast. Also called: hereditary breast carcinoma; BREAST CANCER, FAMILIAL; Hereditary breast cancer. Identifiers: Orphanet 227535, MedGen C0346153, MONDO:0016419, OMIM 114480. Disease mechanism: loss of function.

Submissions (2):

Labcorp Genetics (formerly Invitae), Labcorp
Classification: Uncertain significance for Familial cancer of breast. Last evaluated: 2024-07-24. Review status: criteria provided, single submitter. Criteria: Invitae Variant Classification Sherloc (09022015). Collection method: clinical testing. Allele origin: germline.
Comment: This sequence change replaces proline, which is neutral and non-polar, with serine, which is neutral and polar, at codon 393 of the CHEK2 protein (p.Pro393Ser). This variant is not present in population databases (gnomAD no frequency). This variant has not been reported in the literature in individuals affected with CHEK2-related conditions. ClinVar contains an entry for this variant (Variation ID: 1474181). An algorithm developed to predict the effect of missense changes on protein structure and function (PolyPhen-2) suggests that this variant is likely to be disruptive. In summary, the available evidence is currently insufficient to determine the role of this variant in disease. Therefore, it has been classified as a Variant of Uncertain Significance.

Ambry Genetics
Classification: Uncertain significance for Hereditary cancer-predisposing syndrome. Last evaluated: 2023-10-25. Review status: criteria provided, single submitter. Criteria: Ambry Variant Classification Scheme 2023. Collection method: clinical testing. Allele origin: germline.
Comment: The p.P393S variant (also known as c.1177C>T), located in coding exon 10 of the CHEK2 gene, results from a C to T substitution at nucleotide position 1177. The proline at codon 393 is replaced by serine, an amino acid with similar properties. This amino acid position is highly conserved in available vertebrate species. In addition, this alteration is predicted to be deleterious by in silico analysis. Since supporting evidence is limited at this time, the clinical significance of this alteration remains unclear.

NM_007194.4(CHEK2):c.1177C>T (p.Pro393Ser)

Gene: CHEK2 (checkpoint kinase 2; minus strand). Cytogenetic location: 22q12.1.
Variant type: single nucleotide variant.
Coding change: c.1177C>T on transcript NM_007194.4 (MANE Select); coding-DNA position 1177, C replaced by T.
Protein change: p.Pro393Ser; replaces proline 393 with serine.
Molecular consequence: missense variant.
Genome position (GRCh38, 1-based): chr22:28,695,792, G>A on the plus strand (C>T on the coding strand, the complement: CHEK2 is on the minus strand). VCF-style: chr22-28695792-G-A. GRCh37 (hg19) VCF-style: chr22-29091780-G-A.
Other names: c.1306C>T, p.Pro436Ser (NM_001005735.3); c.514C>T, p.Pro172Ser (NM_001257387.3); c.976C>T, p.Pro326Ser (NM_001349956.3); c.1090C>T, p.Pro364Ser (NM_145862.3); short protein forms P364S, P172S, P326S, P393S, P436S.
Identifiers: ClinVar variation 1474181 (VCV001474181.10), dbSNP rs2052558087, ClinGen allele CA411096814.